The following is an entry in ClinVar:

ClinVar aggregate classification (germline): Likely benign. Review status: reviewed by expert panel (3 of 4 stars). 6 submissions from 6 submitters: Likely benign (1). 5 of the submissions do not count toward it. Last evaluated 2026-07-23.

Conditions:
BRCA2-related cancer predisposition. Identifiers: MedGen CN377758, MONDO:0700269.
Ovarian cancer. Also called: OVARIAN CANCER, SOMATIC. Identifiers: Orphanet 213500, MedGen C1140680, MONDO:0008170, OMIM 167000.
Hereditary cancer-predisposing syndrome. Also called: Neoplastic Syndromes, Hereditary; Tumor predisposition; Hereditary Cancer Syndrome; Hereditary neoplastic syndrome. Identifiers: Orphanet 140162, MedGen C0027672, MeSH D009386, MONDO:0015356.
Familial cancer of breast. Also called: BREAST CANCER, FAMILIAL; Hereditary breast cancer; hereditary breast carcinoma. Identifiers: Orphanet 227535, MedGen C0346153, MONDO:0016419, OMIM 114480. Disease mechanism: loss of function.

Allele frequency attached by ClinVar (database versions not stated): gnomAD exomes below 0.00001.
gnomAD v4.1: 1 of 1,613,296 alleles (0.000062%); highest among the groups gnomAD compares: East Asian, 0.0022%; no homozygotes.

Submissions (6):

ClinGen ENIGMA BRCA1 and BRCA2 Variant Curation Expert Panel, ClinGen
Classification: Likely benign for BRCA2-related cancer predisposition. Last evaluated: 2026-07-23. Review status: reviewed by expert panel. Criteria: CSpec BRCA1/2ACMG Rules Specifications V1.2. Collection method: curation. Allele origin: germline. Inheritance: Autosomal dominant inheritance.
Comment: The c.1732G>C variant in BRCA2 is a missense variant predicted to cause substitution of glycine by arginine at amino acid 578 (p.Gly578Arg). This variant is absent from gnomAD v2.1 (exomes only, non-cancer subset, read depth ≥25) and gnomAD v3.1 (non-cancer subset, read depth ≥25) (PM2_Supporting met). This missense variant is located outside of a key functional domain and was not predicted to alter mRNA splicing using SpliceAI (score 0.03, score threshold <0.1) (BP1_Strong met). Multifactorial likelihood ratio analysis using clinically calibrated data produced a combined LR for this variant of 0.37 (based on Family History LR=0.37), below the thresholds for Supporting benign evidence (LR 0.23-0.48) (BP5 met; PMID 31853058). In summary, this variant meets the criteria to be classified as a Likely benign variant for BRCA2-related cancer predisposition based on the ACMG/AMP criteria applied as specified by the ENIGMA BRCA1/2 VCEP (PM2_Supporting, BP1_Strong, BP5).

University of Washington Department of Laboratory Medicine, University of Washington
Classification: Likely benign for Hereditary cancer-predisposing syndrome. Last evaluated: 2023-03-23. Review status: criteria provided, single submitter. Criteria: Dines et al. (Genet Med. 2020). Collection method: curation. Allele origin: germline. Not counted in ClinVar's aggregate classification.
Comment: Missense variant in a coldspot region where missense variants are very unlikely to be pathogenic (PMID:31911673).

BRCA2 exon 10 coldspot. Reclassification based on statistical prior probability.

Laboratory of Molecular Epidemiology of Birth Defects, West China Second University Hospital, Sichuan University
Classification: Likely pathogenic for Ovarian cancer. Last evaluated: 2022-01-01. Review status: criteria provided, single submitter. Criteria: ACMG Guidelines, 2015. Collection method: clinical testing. Allele origin: germline. Affected: yes. Not counted in ClinVar's aggregate classification.

Color Diagnostics, LLC DBA Color Health
Classification: Uncertain significance for Hereditary cancer-predisposing syndrome. Last evaluated: 2019-06-01. Review status: criteria provided, single submitter. Criteria: ACMG Guidelines, 2015. Collection method: clinical testing. Allele origin: germline. Not counted in ClinVar's aggregate classification.

Ambry Genetics
Classification: Uncertain significance for Hereditary cancer-predisposing syndrome. Last evaluated: 2016-01-21. Review status: criteria provided, single submitter. Criteria: Ambry Variant Classification Scheme 2023. Collection method: clinical testing. Allele origin: germline. Not counted in ClinVar's aggregate classification.
Comment: The p.G578R variant (also known as c.1732G>C), located in coding exon 9 of the BRCA2 gene, results from a G to C substitution at nucleotide position 1732. The glycine at codon 578 is replaced by arginine, an amino acid with dissimilar properties. This variant was not reported in population based cohorts in the following databases: Database of Single Nucleotide Polymorphisms (dbSNP), NHLBI Exome Sequencing Project (ESP), and 1000 Genomes Project. In the ESP, this variant was not observed in 6503 samples (13006 alleles) with coverage at this position. To date, this alteration has been detected with an allele frequency of approximately 0.0004% (greater than 225000 alleles tested) in our clinical cohort. This amino acid position is not well conserved in available vertebrate species. In addition, this alteration is predicted to be tolerated by in silico analysis. Since supporting evidence is limited at this time, the clinical significance of this alteration remains unclear.

Center for Precision Medicine, Meizhou People's Hospital
Classification: Uncertain significance for Familial cancer of breast. Review status: no assertion criteria provided. Collection method: curation. Allele origin: germline. Affected: yes. Not counted in ClinVar's aggregate classification.

NM_000059.4(BRCA2):c.1732G>C (p.Gly578Arg)

Gene: BRCA2 (BRCA2 DNA repair associated; plus strand). Cytogenetic location: 13q13.1.
Variant type: single nucleotide variant.
Coding change: c.1732G>C on transcript NM_000059.4 (MANE Select); coding-DNA position 1732, G replaced by C.
Protein change: p.Gly578Arg; replaces glycine 578 with arginine.
Molecular consequence: missense variant.
Genome position (GRCh38, 1-based): chr13:32,333,210, G>C. VCF-style: chr13-32333210-G-C. GRCh37 (hg19) VCF-style: chr13-32907347-G-C.
Other names: NM_000059.4(BRCA2):c.1732G>C; p.Gly578Arg; short protein forms G578R.
Identifiers: ClinVar variation 482997 (VCV000482997.13), dbSNP rs1555282036, ClinGen allele CA387765390.